The following is an entry in ClinVar:

NM_000158.4(GBE1):c.85delinsTTATACACATCTGTGATCGT (p.Ala29fs)

Gene: GBE1 (1,4-alpha-glucan branching enzyme 1; minus strand). Cytogenetic location: 3p12.2.
Variant type: Indel.
Coding change: c.85delinsTTATACACATCTGTGATCGT on transcript NM_000158.4 (MANE Select); coding-DNA position 85, G replaced by TTATACACATCTGTGATCGT.
Protein change: p.Ala29fs; shifts the reading frame from alanine 29.
Molecular consequence: frameshift variant.
Genome position (GRCh38, 1-based): chr3:81,761,433, C replaced by ACGATCACAGATGTGTATAA on the plus strand (G replaced by TTATACACATCTGTGATCGT on the coding strand, the reverse complement: GBE1 is on the minus strand). VCF-style: chr3-81761433-C-ACGATCACAGATGTGTATAA. GRCh37 (hg19) VCF-style: chr3-81810584-C-ACGATCACAGATGTGTATAA.
Other names: short protein forms A29fs.
Identifiers: ClinVar variation 5010670 (VCV005010670.1).
Genomic context (GRCh38, chr3:81,761,433, plus strand): 5'-ACCTGCGCTGGAAGTCCACGGCGTAGGGCTTCAAGTACGGGTCGATCTCCAGGAGTCTGG[C>ACGATCACAGATGTGTATAA]CAGTTCGGGCACGTCAGCCAGGGCGGCATTGAGCGCCGCCTCGTAGTCCTCGGGCCGAGC-3'

ClinVar aggregate classification (germline): Pathogenic (1 of 4 stars; one submission).

Conditions:
Glycogen storage disease, type IV (GSD4). Also called: AMYLOPECTINOSIS; ANDERSEN DISEASE; BRANCHER DEFICIENCY; CIRRHOSIS, FAMILIAL, WITH DEPOSITION OF ABNORMAL GLYCOGEN; GBE1 DEFICIENCY; GLYCOGEN BRANCHING ENZYME DEFICIENCY. Identifiers: Orphanet 367, MedGen C0017923, MONDO:0009292, OMIM 232500.

Submission:

Myriad Genetics, Inc.
Classification: Pathogenic for Glycogen storage disease, type IV. Last evaluated: 2024-05-14. Review status: criteria provided, single submitter. Criteria: Myriad Autosomal Dominant, Autosomal Recessive and X-Linked Classification Criteria (2023). Collection method: clinical testing. Allele origin: unknown.
Comment: NM_000158.3(GBE1):c.85del1ins20(A29Lfs*28) is expected to be pathogenic in the context of glycogen storage disease, GBE1-related. This variant is predicted to lead to an abnormal or absent protein product due to the creation of a premature termination codon in GBE1, a gene where loss-of-function variants are known to be pathogenic. Please note: this variant was assessed in the context of healthy population screening.